The following is an entry in ClinVar:

NM_014844.5(TECPR2):c.71C>T (p.Pro24Leu)

Gene: TECPR2 (tectonin beta-propeller repeat containing 2; plus strand). Cytogenetic location: 14q32.31.
Variant type: single nucleotide variant.
Coding change: c.71C>T on transcript NM_014844.5 (MANE Select); coding-DNA position 71, C replaced by T.
Protein change: p.Pro24Leu; replaces proline 24 with leucine.
Molecular consequence: missense variant.
Genome position (GRCh38, 1-based): chr14:102,376,792, C>T. VCF-style: chr14-102376792-C-T. GRCh37 (hg19) VCF-style: chr14-102843129-C-T.
Other names: c.71C>T, p.Pro24Leu (NM_001172631.3); short protein forms P24L.
Identifiers: ClinVar variation 1305132 (VCV001305132.2), dbSNP rs1048899038, ClinGen allele CA267056782.
Genomic context (GRCh38, chr14:102,376,792, plus strand): 5'-TATCAGAGCCTGTTACATTCAGAGAGTTCTGCCCGTTGTACTATCTCCTCAATGCCATTC[C>T]GACAAAGATCCAGAAGGGTTTCCGCTCTATCGTGGTCTATCTCACGGCCCTCGACACCAA-3'
Protein context (NP_055659.2, residues 14-34): CPLYYLLNAI[Pro24Leu]TKIQKGFRSI

ClinVar aggregate classification (germline): Uncertain significance (1 of 4 stars; one submission).

Allele frequency attached by ClinVar (database versions not stated): gnomAD exomes 0.00001; TOPMed 0.00002.
gnomAD v4.1: 4 of 1,614,176 alleles (0.00025%); highest among the groups gnomAD compares: East Asian, 0.0022%; no homozygotes.

Submission:

GeneDx
Classification: Uncertain significance. Last evaluated: 2019-04-29. Review status: criteria provided, single submitter. Criteria: GeneDx Variant Classification Process June 2021. Collection method: clinical testing. Allele origin: germline. Affected: yes.
Comment: Not observed in large population cohorts (Lek et al., 2016); In silico analysis, which includes protein predictors and evolutionary conservation, supports a deleterious effect; Has not been previously published as pathogenic or benign to our knowledge